The following is an entry in ClinVar:

NM_173560.4(RFX6):c.1123A>G (p.Ile375Val)

Gene: RFX6 (regulatory factor X6; plus strand). Cytogenetic location: 6q22.1.
Variant type: single nucleotide variant.
Coding change: c.1123A>G on transcript NM_173560.4 (MANE Select); coding-DNA position 1123, A replaced by G.
Protein change: p.Ile375Val; replaces isoleucine 375 with valine.
Molecular consequence: missense variant.
Genome position (GRCh38, 1-based): chr6:116,919,237, A>G. VCF-style: chr6-116919237-A-G. GRCh37 (hg19) VCF-style: chr6-117240400-A-G.
Other names: short protein forms I375V.
Identifiers: ClinVar variation 2410621 (VCV002410621.5), dbSNP rs764500834, ClinGen allele CA3973213.

ClinVar aggregate classification (germline): Uncertain significance. Review status: criteria provided, single submitter (1 of 4 stars). 2 submissions from 2 submitters: Uncertain significance (1). 1 of the submissions does not count toward it. Last evaluated 2025-04-03.

Conditions:
RFX6-related disorder. Also called: RFX6-related condition.
Inborn genetic diseases. Identifiers: MedGen C0950123, MeSH D030342.

Allele frequency attached by ClinVar (database versions not stated): ExAC 0.00001.
gnomAD v4.1: 3 of 1,613,394 alleles (0.00019%); highest among the groups gnomAD compares: Admixed American, 0.005%; no homozygotes.

Submissions (2):

Ambry Genetics
Classification: Uncertain significance for Inborn genetic diseases. Last evaluated: 2025-04-03. Review status: criteria provided, single submitter. Criteria: Ambry Variant Classification Scheme 2023. Collection method: clinical testing. Allele origin: germline.

PreventionGenetics, part of Exact Sciences
Classification: Uncertain significance for RFX6-related condition. Last evaluated: 2023-11-16. Review status: no assertion criteria provided. Collection method: clinical testing. Allele origin: germline. Not counted in ClinVar's aggregate classification.
Comment: The RFX6 c.1123A>G variant is predicted to result in the amino acid substitution p.Ile375Val. To our knowledge, this variant has not been reported in the literature. This variant is reported in 0.0058% of alleles in individuals of Latino descent in gnomAD. At this time, the clinical significance of this variant is uncertain due to the absence of conclusive functional and genetic evidence.